The following is an entry in ClinVar:

NM_000274.4(OAT):c.603G>T (p.Met201Ile)

Gene: OAT (ornithine aminotransferase; minus strand). Cytogenetic location: 10q26.13.
Variant type: single nucleotide variant.
Coding change: c.603G>T on transcript NM_000274.4 (MANE Select); coding-DNA position 603, G replaced by T.
Protein change: p.Met201Ile; replaces methionine 201 with isoleucine.
Molecular consequence: missense variant. On other transcripts: initiator codon variant (1).
Genome position (GRCh38, 1-based): chr10:124,405,481, C>A on the plus strand (G>T on the coding strand, the complement: OAT is on the minus strand). VCF-style: chr10-124405481-C-A. GRCh37 (hg19) VCF-style: chr10-126094050-C-A.
Other names: c.189G>T, p.Met63Ile (NM_001171814.2); c.603G>T, p.Met201Ile (NM_001322965.2, NM_001322966.2, NM_001322967.2 and 3 more transcripts); c.282G>T, p.Met94Ile (NM_001322971.2); c.3G>T, p.Met1Ile (NM_001322974.2); short protein forms M63I, M1I, M94I, M201I.
Identifiers: ClinVar variation 2202560 (VCV002202560.5), dbSNP rs1383077255, ClinGen allele CA378636318.
Genomic context (GRCh38, chr10:124,405,481, plus strand): 5'-ATGCTAGTGAAATACCTCCAGTGCGGGCAGATCATTATAGGGAATGATGTCGAATCCCGG[C>A]ATAAATGGTCCAAAACCATCGTAACTGGTTGGGTCTGTGGAACTGGAGATAGCAGACAAC-3'
Protein context (NP_000265.1, residues 191-211): PTSYDGFGPF[Met201Ile]PGFDIIPYND

ClinVar aggregate classification (germline): Uncertain significance. Review status: criteria provided, multiple submitters, no conflicts (2 of 4 stars). 2 submissions from 2 submitters: Uncertain significance (2). Last evaluated 2025-08-02.

Conditions:
Ornithine aminotransferase deficiency (GACR). Also called: Ornithine ketoacid aminotransferase deficiency; Gyrate atrophy; Gyrate atrophy of choroid and retina; Girate atrophy of the retina; HYPERORNITHINEMIA WITH GYRATE ATROPHY OF CHOROID AND RETINA; OAT DEFICIENCY. Identifiers: Orphanet 414, MedGen C0018425, MONDO:0009796, OMIM 258870.
Inborn genetic diseases. Identifiers: MedGen C0950123, MeSH D030342.

Allele frequency attached by ClinVar (database versions not stated): gnomAD exomes below 0.00001; gnomAD 0.00001; TOPMed 0.00002.

Submissions (2):

Ambry Genetics
Classification: Uncertain significance for Inborn genetic diseases. Last evaluated: 2025-08-02. Review status: criteria provided, single submitter. Criteria: Ambry Variant Classification Scheme 2023. Collection method: clinical testing. Allele origin: germline.

Labcorp Genetics (formerly Invitae), Labcorp
Classification: Uncertain significance for Ornithine aminotransferase deficiency. Last evaluated: 2023-12-11. Review status: criteria provided, single submitter. Criteria: Invitae Variant Classification Sherloc (09022015). Collection method: clinical testing. Allele origin: germline.
Comment: This sequence change replaces methionine, which is neutral and non-polar, with isoleucine, which is neutral and non-polar, at codon 201 of the OAT protein (p.Met201Ile). This variant is present in population databases (no rsID available, gnomAD 0.007%). This variant has not been reported in the literature in individuals affected with OAT-related conditions. ClinVar contains an entry for this variant (Variation ID: 2202560). Advanced modeling of protein sequence and biophysical properties (such as structural, functional, and spatial information, amino acid conservation, physicochemical variation, residue mobility, and thermodynamic stability) performed at Invitae indicates that this missense variant is not expected to disrupt OAT protein function with a negative predictive value of 80%. In summary, the available evidence is currently insufficient to determine the role of this variant in disease. Therefore, it has been classified as a Variant of Uncertain Significance.